The following is an entry in ClinVar:

NM_182961.4(SYNE1):c.17346+38C>T

Gene: SYNE1 (spectrin repeat containing nuclear envelope protein 1; minus strand). Cytogenetic location: 6q25.2.
Variant type: single nucleotide variant.
Coding change: c.17346+38C>T on transcript NM_182961.4 (MANE Select); 38 bases into the intron after coding-DNA position 17346, C replaced by T.
Molecular consequence: intron variant.
Genome position (GRCh38, 1-based): chr6:152,308,451, G>A on the plus strand (C>T on the coding strand, the complement: SYNE1 is on the minus strand). VCF-style: chr6-152308451-G-A. GRCh37 (hg19) VCF-style: chr6-152629586-G-A.
Other names: c.17133+38C>T (NM_033071.5).
Identifiers: ClinVar variation 262172 (VCV000262172.4), dbSNP rs9371581, ClinGen allele CA4055258.

ClinVar aggregate classification (germline): Benign. Review status: criteria provided, multiple submitters, no conflicts (2 of 4 stars). 5 submissions from 3 submitters: Benign (5). Last evaluated 2021-07-15.

Conditions:
Arthrogryposis multiplex congenita 3, myogenic type. Also called: ARTHROGRYPOSIS MULTIPLEX CONGENITA, MYOGENIC TYPE. Identifiers: MedGen C5193121, MONDO:0032778, OMIM 618484.
Autosomal recessive ataxia, Beauce type. Also called: Spinocerebellar ataxia, autosomal recessive 8; ATAXIA, RECESSIVE, OF BEAUCE; SYNE1-Related Autosomal Recessive Cerebellar Ataxia; SYNE1 Deficiency. Identifiers: Orphanet 88644, MedGen C1853116, MONDO:0012549, OMIM 610743.
Emery-Dreifuss muscular dystrophy 4, autosomal dominant (EDMD4). Also called: EMERY-DREIFUSS MUSCULAR DYSTROPHY 4 WITH VARIABLE FEATURES. Identifiers: Orphanet 261, MedGen C2751807, MONDO:0013071, OMIM 612998.

Allele frequency attached by ClinVar (database versions not stated): 1000 Genomes Project 30x 0.44675; 1000 Genomes Project 0.45747; TOPMed 0.45895; ESP Exome Variant Server 0.46156; gnomAD 0.48105 and 0.48251; ExAC 0.50011; gnomAD exomes 0.50499 and 0.52191.
gnomAD v4.1: 834,332 of 1,612,054 alleles (52%); highest among the groups gnomAD compares: East Asian, 64%; 220,229 homozygotes.

Submissions (5):

Genome-Nilou Lab
Classification: Benign for Arthrogryposis multiplex congenita 3, myogenic type. Last evaluated: 2021-07-15. Review status: criteria provided, single submitter. Criteria: ACMG Guidelines, 2015. Collection method: clinical testing. Allele origin: germline. Affected: no.

Genome-Nilou Lab
Classification: Benign for Emery-Dreifuss muscular dystrophy 4, autosomal dominant. Last evaluated: 2021-07-15. Review status: criteria provided, single submitter. Criteria: ACMG Guidelines, 2015. Collection method: clinical testing. Allele origin: germline. Affected: no.

Genome-Nilou Lab
Classification: Benign for Autosomal recessive ataxia, Beauce type. Last evaluated: 2021-07-15. Review status: criteria provided, single submitter. Criteria: ACMG Guidelines, 2015. Collection method: clinical testing. Allele origin: germline. Affected: no.

GeneDx
Classification: Benign. Last evaluated: 2018-06-14. Review status: criteria provided, single submitter. Criteria: GeneDx Variant Classification (06012015). Collection method: clinical testing. Allele origin: germline. Affected: yes.
Comment: This variant is considered likely benign or benign based on one or more of the following criteria: it is a conservative change, it occurs at a poorly conserved position in the protein, it is predicted to be benign by multiple in silico algorithms, and/or has population frequency not consistent with disease.

PreventionGenetics, part of Exact Sciences
Classification: Benign. Review status: criteria provided, single submitter. Criteria: ACMG Guidelines, 2015. Collection method: clinical testing. Allele origin: germline.